The following continues an entry in ClinVar:

NM_000018.4(ACADVL):c.553G>A (p.Gly185Ser)

Gene: ACADVL. ClinVar aggregate classification (germline): Likely pathogenic. Likely pathogenic (1).

Submissions 9 to 14 of 14:

3billion
Classification: Likely pathogenic for Very long chain acyl-CoA dehydrogenase deficiency. Last evaluated: 2023-02-23. Review status: criteria provided, single submitter. Criteria: ACMG Guidelines, 2015. Collection method: clinical testing. Allele origin: unknown. Affected: yes. Not counted in ClinVar's aggregate classification.
Comment: The variant is observed at an extremely low frequency in the gnomAD v2.1.1 dataset (total allele frequency: 0.001%). In silico tool predictions suggest damaging effect of the variant on gene or gene product (REVEL: 0.97; 3Cnet: 0.99). Same nucleotide change resulting in same amino acid change has been previously reported as pathogenic/likely pathogenic with strong evidence (ClinVar ID: VCV000203595). A different missense change at the same codon (p.Gly185Ala) has been reported to be associated with ACADVL related disorder (ClinVar ID: VCV000450792). Therefore, this variant is classified as Likely pathogenic according to the recommendation of ACMG/AMP guideline.

Myriad Genetics, Inc.
Classification: Likely pathogenic for Very long chain acyl-CoA dehydrogenase deficiency. Last evaluated: 2021-11-16. Review status: criteria provided, single submitter. Criteria: Myriad Women's Health Autosomal Recessive and X-Linked Classification Criteria (2021). Collection method: clinical testing. Allele origin: unknown. Not counted in ClinVar's aggregate classification.
Comment: NM_000018.3(ACADVL):c.553G>A(G185S) is a missense variant classified as likely pathogenic in the context of very-long-chain acyl-CoA dehydrogenase deficiency. G185S has been observed in cases with relevant disease (PMID: 31620161, 32655480, 22841441, 21932095, 17999356, 9973285). Functional assessments of this variant are not available in the literature. G185S has been observed in population frequency databases (gnomAD: EAS 0.006%). In summary, NM_000018.3(ACADVL):c.553G>A(G185S) is a missense variant that has been observed more frequently in cases with the relevant disease than in healthy populations. Please note: this variant was assessed in the context of healthy population screening.

Kariminejad - Najmabadi Pathology & Genetics Center
Classification: Pathogenic for Very long chain acyl-CoA dehydrogenase deficiency. Last evaluated: 2021-08-30. Review status: criteria provided, single submitter. Criteria: ACMG Guidelines, 2015. Collection method: clinical testing. Allele origin: germline. Inheritance: Autosomal recessive inheritance. Affected: yes. Not counted in ClinVar's aggregate classification.
Comment: PM2, PM1, PP3, PS3, PP5, PM5

Genome-Nilou Lab
Classification: Pathogenic for Very long chain acyl-CoA dehydrogenase deficiency. Last evaluated: 2021-07-22. Review status: criteria provided, single submitter. Criteria: ACMG Guidelines, 2015. Collection method: clinical testing. Allele origin: germline. Affected: no. Not counted in ClinVar's aggregate classification.

Wong Mito Lab, Molecular and Human Genetics, Baylor College of Medicine
Classification: Pathogenic for Very long chain acyl-CoA dehydrogenase deficiency. Last evaluated: 2019-11-01. Review status: criteria provided, single submitter. Criteria: ACMG Guidelines, 2015. Collection method: clinical testing. Allele origin: germline. Not counted in ClinVar's aggregate classification.
Comment: The NM_000018.3:c.553G>A (NP_000009.1:p.Gly185Ser) [GRCH38: NC_000017.11:g.7221613G>A] variant in ACADVL gene is interpretated to be Pathogenic based on ACMG guidelines (PMID: 25741868). This variant has been reported in PMID: 9973285. This variant meets the following evidence codes reported in the ACMG guidelines: PS1, PS3

CeGaT Center for Human Genetics Tuebingen
Classification: Pathogenic. Last evaluated: 2017-05-01. Review status: criteria provided, single submitter. Criteria: CeGaT Center For Human Genetics Tuebingen Variant Classification Criteria Version 2. Collection method: clinical testing. Allele origin: germline. Affected: yes. Observed: 1 variant allele. Not counted in ClinVar's aggregate classification.

Literature cited by the submitters: PubMed 17999356 (cited by 4 submitters); PubMed 20060901 (cited by Labcorp Genetics (formerly Invitae), Labcorp and Mayo Clinic Laboratories, Mayo Clinic); PubMed 39188284 (cited by Natera, Inc.); PubMed 31620161 (cited by 3 submitters); PubMed 35400565 (cited by Natera, Inc.); PubMed 32655480 (cited by 3 submitters); PubMed 21932095 (cited by Mayo Clinic Laboratories, Mayo Clinic and Myriad Genetics, Inc.); PubMed 22841441 (cited by Mayo Clinic Laboratories, Mayo Clinic and Myriad Genetics, Inc.); PubMed 9973285 (cited by 3 submitters).